The following is an entry in ClinVar:

ClinVar aggregate classification (germline): Pathogenic (1 of 4 stars; one submission).

Conditions:
Leukocyte adhesion deficiency 1 (LAD1). Also called: LEUKOCYTE ADHESION DEFICIENCY, TYPE I; LAD 1; Lymphocyte function-associated antigen 1 immunodeficiency; LFA 1 immunodeficiency. Identifiers: Orphanet 2968, Orphanet 99842, MedGen C0398738, MONDO:0007293, OMIM 116920.

Submission:

Labcorp Genetics (formerly Invitae), Labcorp
Classification: Pathogenic for Leukocyte adhesion deficiency 1. Last evaluated: 2021-05-26. Review status: criteria provided, single submitter. Criteria: Invitae Variant Classification Sherloc (09022015). Collection method: clinical testing. Allele origin: germline.
Comment: This sequence change creates a premature translational stop signal (p.Val353Serfs*26) in the ITGB2 gene. It is expected to result in an absent or disrupted protein product. Loss-of-function variants in ITGB2 are known to be pathogenic (PMID: 22134107, 25703682). For these reasons, this variant has been classified as Pathogenic. This variant has not been reported in the literature in individuals with ITGB2-related conditions. This variant is not present in population databases (ExAC no frequency).

Literature cited by the submitters: PubMed 22134107; PubMed 25703682.

NM_000211.5(ITGB2):c.1057del (p.Val353fs)

Gene: ITGB2 (integrin subunit beta 2; minus strand). Cytogenetic location: 21q22.3.
Variant type: Deletion.
Coding change: c.1057del on transcript NM_000211.5 (MANE Select); coding-DNA position 1057, one base deleted (G; older notation c.1057delG).
Protein change: p.Val353fs; shifts the reading frame from valine 353.
Molecular consequence: frameshift variant.
Genome position (GRCh38, 1-based): chr21:44,894,997, C deleted on the plus strand (G on the coding strand, the reverse complement: ITGB2 is on the minus strand); the first of 2 consecutive C bases (chr21:44,894,997-44,894,998); deleting either gives the same sequence. VCF-style (leftmost placement, unchanged base first): chr21-44894996-AC-A. GRCh37 (hg19) VCF-style: chr21-46314911-AC-A.
Other names: c.1057del, p.Val353fs (NM_001127491.3); c.850del, p.Val284fs (NM_001303238.2); short protein forms V284fs, V353fs.
Identifiers: ClinVar variation 1365830 (VCV001365830.6), dbSNP rs2146511363, ClinGen allele CA2573157713.